The following is an entry in ClinVar:

NM_001844.5(COL2A1):c.2049+5G>A

Gene: COL2A1 (collagen type II alpha 1 chain; minus strand). Cytogenetic location: 12q13.11.
Variant type: single nucleotide variant.
Coding change: c.2049+5G>A on transcript NM_001844.5 (MANE Select); 5 bases into the intron after coding-DNA position 2049, G replaced by A.
Molecular consequence: intron variant.
Genome position (GRCh38, 1-based): chr12:47,983,380, C>T on the plus strand (G>A on the coding strand, the complement: COL2A1 is on the minus strand). VCF-style: chr12-47983380-C-T. GRCh37 (hg19) VCF-style: chr12-48377163-C-T.
Other names: c.1842+5G>A (NM_033150.3).
Identifiers: ClinVar variation 1437732 (VCV001437732.6), dbSNP rs374056956, ClinGen allele CA2034451524.
Genomic context (GRCh38, chr12:47,983,380, plus strand): 5'-TCCTAGGCATCAGAAAAGACCTTCCCATCTAAACAGGTTGCAGGTCCAAAGAGCCCCATA[C>T]TCACCTGGTCACCTGGTTTTCCACCTTCACCTGGGGGACCAGGAGGGCCAGGAAGTCCCT-3'

ClinVar aggregate classification (germline): Uncertain significance (1 of 4 stars; one submission).

Allele frequency attached by ClinVar (database versions not stated): TOPMed below 0.00001.

Submission:

Labcorp Genetics (formerly Invitae), Labcorp
Classification: Uncertain significance. Last evaluated: 2022-05-08. Review status: criteria provided, single submitter. Criteria: Invitae Variant Classification Sherloc (09022015). Collection method: clinical testing. Allele origin: germline.
Comment: In summary, the available evidence is currently insufficient to determine the role of this variant in disease. Therefore, it has been classified as a Variant of Uncertain Significance. Variants that disrupt the consensus splice site are a relatively common cause of aberrant splicing (PMID: 17576681, 9536098). Algorithms developed to predict the effect of sequence changes on RNA splicing suggest that this variant may create or strengthen a splice site. This sequence change falls in intron 31 of the COL2A1 gene. It does not directly change the encoded amino acid sequence of the COL2A1 protein. It affects a nucleotide within the consensus splice site. This variant is not present in population databases (gnomAD no frequency). This variant has not been reported in the literature in individuals affected with COL2A1-related conditions.

Literature cited by the submitters: PubMed 17576681; PubMed 9536098.